The following is an entry in ClinVar:

NC_000016.10:g.67660373C>T

Genes: ACD (ACD shelterin complex subunit and telomerase recruitment factor; minus strand), LOC130059224 (ATAC-STARR-seq lymphoblastoid silent region 7617; plus strand). Cytogenetic location: 16q22.1.
Variant type: single nucleotide variant.
Genome position: GRCh38 VCF-style: chr16-67660373-C-T. GRCh37 (hg19) VCF-style: chr16-67694276-C-T.
Other names: short protein forms G36R.
Identifiers: ClinVar variation 1000503 (VCV001000503.48), dbSNP rs1452825225, ClinGen allele CA396359759.

ClinVar aggregate classification (germline): Uncertain significance. Review status: criteria provided, multiple submitters, no conflicts (2 of 4 stars). 2 submissions from 2 submitters: Uncertain significance (2). Last evaluated 2023-12-23.

Conditions:
Dyskeratosis congenita, autosomal dominant 6 (DKCA6). Identifiers: Orphanet 3322, MedGen C4225284, MONDO:0014690, OMIM 616553.
Inborn genetic diseases. Identifiers: MedGen C0950123, MeSH D030342.

Allele frequency attached by ClinVar (database versions not stated): gnomAD exomes 0.00001 and below 0.00001.

Submissions (2):

Ambry Genetics
Classification: Uncertain significance for Inborn genetic diseases. Last evaluated: 2023-12-23. Review status: criteria provided, single submitter. Criteria: Ambry Variant Classification Scheme 2023. Collection method: clinical testing. Allele origin: germline.
Comment: The p.G36R variant (also known as c.106G>A), located in coding exon 1 of the ACD gene, results from a G to A substitution at nucleotide position 106. The glycine at codon 36 is replaced by arginine, an amino acid with dissimilar properties. This amino acid position is conserved. In addition, this alteration is predicted to be tolerated by in silico analysis. Since supporting evidence is limited at this time, the clinical significance of this alteration remains unclear.

Labcorp Genetics (formerly Invitae), Labcorp
Classification: Uncertain significance for Dyskeratosis congenita, autosomal dominant 6. Last evaluated: 2022-07-25. Review status: criteria provided, single submitter. Criteria: Invitae Variant Classification Sherloc (09022015). Collection method: clinical testing. Allele origin: germline.
Comment: In summary, the available evidence is currently insufficient to determine the role of this variant in disease. Therefore, it has been classified as a Variant of Uncertain Significance. Algorithms developed to predict the effect of missense changes on protein structure and function output the following: SIFT: "Tolerated"; PolyPhen-2: "Benign"; Align-GVGD: "Class C0". The arginine amino acid residue is found in multiple mammalian species, which suggests that this missense change does not adversely affect protein function. ClinVar contains an entry for this variant (Variation ID: 1000503). This variant has not been reported in the literature in individuals affected with ACD-related conditions. The frequency data for this variant in the population databases is considered unreliable, as metrics indicate poor data quality at this position in the gnomAD database. This sequence change replaces glycine, which is neutral and non-polar, with arginine, which is basic and polar, at codon 36 of the ACD protein (p.Gly36Arg).